The following is an entry in ClinVar:

NM_001077525.3(MTMR14):c.1067C>T (p.Thr356Met)

Gene: MTMR14 (myotubularin related protein 14; plus strand). Cytogenetic location: 3p25.3.
Variant type: single nucleotide variant.
Coding change: c.1067C>T on transcript NM_001077525.3 (MANE Select); coding-DNA position 1067, C replaced by T.
Protein change: p.Thr356Met; replaces threonine 356 with methionine.
Molecular consequence: missense variant.
Genome position (GRCh38, 1-based): chr3:9,684,904, C>T. VCF-style: chr3-9684904-C-T. GRCh37 (hg19) VCF-style: chr3-9726588-C-T.
Other names: c.1067C>T, p.Thr356Met (NM_001077526.3, NM_022485.5); c.1067C>T (NM_022485.4); short protein forms T356M.
Identifiers: ClinVar variation 194117 (VCV000194117.35), dbSNP rs183134138, ClinGen allele CA200967.
Genomic context (GRCh38, chr3:9,684,904, plus strand): 5'-GGATGAGAAGAGGGCTCTGTCACATCTCCTGTGGTCTCTTCCAGGATGGGCTCATCCACA[C>T]GTCCCTGAAGCCCACTGAGATCCTCTACCTCACTGTGGCCTATGACTGGTTCCTCTTCGG-3'
Protein context (NP_001070993.1, residues 346-366): LSLWADGLIH[Thr356Met]SLKPTEILYL

ClinVar aggregate classification (germline): Benign/Likely benign. Review status: criteria provided, multiple submitters, no conflicts (2 of 4 stars). 4 submissions from 4 submitters: Benign (2); Likely benign (1). 1 of the submissions does not count toward it. Last evaluated 2025-10-01.

Conditions:
MTMR14-related disorder. Also called: MTMR14-related condition.

Allele frequency attached by ClinVar (database versions not stated): ESP Exome Variant Server 0.00016; gnomAD exomes 0.00018 and 0.00062; gnomAD 0.00029 and 0.00031; TOPMed 0.00051; ExAC 0.00063; 1000 Genomes Project 30x 0.00125; 1000 Genomes Project 0.00140.
gnomAD v4.1: 330 of 1,614,128 alleles (0.02%); highest among the groups gnomAD compares: East Asian, 0.39%; 2 homozygotes.

Submissions (4):

Labcorp Genetics (formerly Invitae), Labcorp
Classification: Benign. Last evaluated: 2025-10-01. Review status: criteria provided, single submitter. Criteria: Invitae Variant Classification Sherloc (09022015). Collection method: clinical testing. Allele origin: germline.

CeGaT Center for Human Genetics Tuebingen
Classification: Benign. Last evaluated: 2024-02-01. Review status: criteria provided, single submitter. Criteria: CeGaT Center For Human Genetics Tuebingen Variant Classification Criteria Version 2. Collection method: clinical testing. Allele origin: germline. Affected: yes. Observed: 1 variant allele.
Comment: MTMR14: BS1, BS2

Eurofins Ntd Llc (ga)
Classification: Likely benign. Last evaluated: 2015-04-09. Review status: criteria provided, single submitter. Criteria: EGL Classification Definitions 2015. Collection method: clinical testing. Allele origin: germline.

PreventionGenetics, part of Exact Sciences
Classification: Benign for MTMR14-related condition. Last evaluated: 2019-12-06. Review status: no assertion criteria provided. Collection method: clinical testing. Allele origin: germline. Not counted in ClinVar's aggregate classification.
Comment: This variant is classified as benign based on ACMG/AMP sequence variant interpretation guidelines (Richards et al. 2015 PMID: 25741868, with internal and published modifications).